The following is an entry in ClinVar:

NM_015354.3(NUP188):c.5215T>C (p.Leu1739=)

Genes: NUP188 (nucleoporin 188; plus strand), LOC130002730 (ATAC-STARR-seq lymphoblastoid active region 29098; plus strand). Cytogenetic location: 9q34.11.
Variant type: single nucleotide variant.
Coding change: c.5215T>C on transcript NM_015354.3 (MANE Select); coding-DNA position 5215, T replaced by C.
Protein change: p.Leu1739=; no amino-acid change (leucine 1739 retained).
Molecular consequence: synonymous variant.
Genome position (GRCh38, 1-based): chr9:129,006,643, T>C. VCF-style: chr9-129006643-T-C. GRCh37 (hg19) VCF-style: chr9-131768922-T-C.
Other names: c.5215T>C (NM_015354.2).
Identifiers: ClinVar variation 2659570 (VCV002659570.25), dbSNP rs141739680, ClinGen allele CA5273616.

ClinVar aggregate classification (germline): Benign. Review status: criteria provided, single submitter (1 of 4 stars). 2 submissions from 2 submitters: Benign (1). 1 of the submissions does not count toward it. Last evaluated 2023-01-01.

Conditions:
NUP188-related disorder. Also called: NUP188-related condition.

Allele frequency attached by ClinVar (database versions not stated): gnomAD exomes 0.00029; ExAC 0.00098; gnomAD 0.00340; TOPMed 0.00365; 1000 Genomes Project 0.00419; 1000 Genomes Project 30x 0.00468; ESP Exome Variant Server 0.00477.
gnomAD v4.1: 989 of 1,614,136 alleles (0.061%); highest among the groups gnomAD compares: African/African-American, 1.2%; 9 homozygotes.

Submissions (2):

CeGaT Center for Human Genetics Tuebingen
Classification: Benign. Last evaluated: 2023-01-01. Review status: criteria provided, single submitter. Criteria: CeGaT Center For Human Genetics Tuebingen Variant Classification Criteria Version 2. Collection method: clinical testing. Allele origin: germline. Affected: yes. Observed: 1 variant allele.
Comment: NUP188: BP4, BS1, BS2

PreventionGenetics, part of Exact Sciences
Classification: Benign for NUP188-related condition. Last evaluated: 2019-04-04. Review status: no assertion criteria provided. Collection method: clinical testing. Allele origin: germline. Not counted in ClinVar's aggregate classification.
Comment: This variant is classified as benign based on ACMG/AMP sequence variant interpretation guidelines (Richards et al. 2015 PMID: 25741868, with internal and published modifications).